The following is an entry in ClinVar:

ClinVar aggregate classification (germline): Conflicting classifications of pathogenicity. Review status: criteria provided, conflicting classifications (1 of 4 stars). 9 submissions from 9 submitters: Uncertain significance (7); Likely benign (2). Last evaluated 2026-05-13.

Conditions:
Hereditary cancer-predisposing syndrome. Also called: Tumor predisposition; Hereditary neoplastic syndrome; Neoplastic Syndromes, Hereditary; Hereditary Cancer Syndrome. Identifiers: Orphanet 140162, MedGen C0027672, MeSH D009386, MONDO:0015356.
Hereditary breast ovarian cancer syndrome. Also called: Hereditary breast and ovarian cancer syndrome; BRCA1- and BRCA2-Associated Hereditary Breast and Ovarian Cancer; Hereditary breast and ovarian cancer syndrome (HBOC); Hereditary breast and/or ovarian cancer syndrome; Hereditary breast and ovarian cancer; Breast and ovarian cancer. Identifiers: Orphanet 145, MedGen C0677776, MeSH D061325, MONDO:0003582. Disease mechanism: loss of function.
Breast-ovarian cancer, familial, susceptibility to, 2 (BROVCA2). Also called: BRCA2 Hereditary Breast and Ovarian Cancer. Identifiers: Orphanet 145, MedGen C2675520, MONDO:0012933, OMIM 612555. Disease mechanism: loss of function.

Allele frequency attached by ClinVar (database versions not stated): TOPMed 0.00001.
gnomAD v4.1: 1 of 1,598,748 alleles (0.000063%); highest among the groups gnomAD compares: African/African-American, 0.0013%; no homozygotes.

Submissions (9):

Myriad Genetics, Inc.
Classification: Likely benign for Breast-ovarian cancer, familial, susceptibility to, 2. Last evaluated: 2026-05-13. Review status: criteria provided, single submitter. Criteria: Myriad Autosomal Dominant, Autosomal Recessive and X-Linked Classification Criteria (2023). Collection method: clinical testing. Allele origin: unknown.
Comment: This variant is considered likely benign. This variant is strongly associated with less severe personal and family histories of cancer, typical for individuals without pathogenic variants in this gene [PMID: 25085752].

Labcorp Genetics (formerly Invitae), Labcorp
Classification: Uncertain significance for Hereditary breast ovarian cancer syndrome. Last evaluated: 2025-12-21. Review status: criteria provided, single submitter. Criteria: Invitae Variant Classification Sherloc (09022015). Collection method: clinical testing. Allele origin: germline.
Comment: This sequence change replaces glutamic acid, which is acidic and polar, with alanine, which is neutral and non-polar, at codon 1110 of the BRCA2 protein (p.Glu1110Ala). This variant is present in population databases (rs587782072, gnomAD 0.007%). This variant has not been reported in the literature in individuals affected with BRCA2-related conditions. ClinVar contains an entry for this variant (Variation ID: 219682). Invitae Evidence Modeling of protein sequence and biophysical properties (such as structural, functional, and spatial information, amino acid conservation, physicochemical variation, residue mobility, and thermodynamic stability) indicates that this missense variant is not expected to disrupt BRCA2 protein function with a negative predictive value of 95%. In summary, the available evidence is currently insufficient to determine the role of this variant in disease. Therefore, it has been classified as a Variant of Uncertain Significance.

Quest Diagnostics Nichols Institute San Juan Capistrano
Classification: Uncertain significance. Last evaluated: 2025-06-26. Review status: criteria provided, single submitter. Criteria: Quest Diagnostics criteria. Collection method: clinical testing. Allele origin: unknown.
Comment: The BRCA2 c.3329A>C (p.Glu1110Ala) variant has been reported in the published literature in individuals undergoing multigene panel testing (PMID: 31853058 (2020)). This variant is reported to be located in a region of the BRCA2 gene that is tolerant to missense sequence changes (PMID: 31911673 (2020)). The frequency of this variant in the general population (Genome Aggregation Database) is uninformative in the assessment of its pathogenicity. Analysis of this variant using bioinformatics tools for the prediction of the effect of amino acid changes on protein structure and function yielded conflicting predictions that this variant is benign or damaging. Based on the available information, we are unable to determine the clinical significance of this variant.

GeneDx
Classification: Uncertain significance. Last evaluated: 2024-01-29. Review status: criteria provided, single submitter. Criteria: GeneDx Variant Classification Process June 2021. Collection method: clinical testing. Allele origin: germline. Affected: yes.
Comment: Not observed at a significant frequency in large population cohorts (gnomAD); In silico analysis supports that this missense variant has a deleterious effect on protein structure/function; Reported in an individual undergoing multi-gene hereditary cancer panel testing (PMID: 31853058); Also known as 3557A>C; This variant is associated with the following publications: (PMID: 31853058, 32377563, 29884841)

Ambry Genetics
Classification: Uncertain significance for Hereditary cancer-predisposing syndrome. Last evaluated: 2024-01-06. Review status: criteria provided, single submitter. Criteria: Ambry Variant Classification Scheme 2023. Collection method: clinical testing. Allele origin: germline.
Comment: The p.E1110A variant (also known as c.3329A>C), located in coding exon 10 of the BRCA2 gene, results from an A to C substitution at nucleotide position 3329. The glutamic acid at codon 1110 is replaced by alanine, an amino acid with dissimilar properties. This amino acid position is highly conserved in available vertebrate species. In addition, the in silico prediction for this alteration is inconclusive. Since supporting evidence is limited at this time, the clinical significance of this alteration remains unclear.

Color Diagnostics, LLC DBA Color Health
Classification: Uncertain significance for Hereditary cancer-predisposing syndrome. Last evaluated: 2023-11-20. Review status: criteria provided, single submitter. Criteria: ACMG Guidelines, 2015. Collection method: clinical testing. Allele origin: germline.
Comment: This missense variant replaces glutamic acid with alanine at codon 1110 of the BRCA2 protein. Computational prediction suggests that this variant may not impact protein structure and function (internally defined REVEL score threshold <= 0.5, PMID: 27666373). To our knowledge, functional studies have not been reported for this variant. This variant has not been reported in individuals affected with BRCA2-related disorders in the literature. This variant has been identified in 1/236698 chromosomes in the general population by the Genome Aggregation Database (gnomAD). The available evidence is insufficient to determine the role of this variant in disease conclusively. Therefore, this variant is classified as a Variant of Uncertain Significance.

University of Washington Department of Laboratory Medicine, University of Washington
Classification: Likely benign for Hereditary cancer-predisposing syndrome. Last evaluated: 2023-03-23. Review status: criteria provided, single submitter. Criteria: Dines et al. (Genet Med. 2020). Collection method: curation. Allele origin: germline.
Comment: Missense variant in a coldspot region where missense variants are very unlikely to be pathogenic (PMID:31911673).

BRCA2 exon 11 coldspot. Reclassification based on statistical prior probability.

Sema4
Classification: Uncertain significance for Hereditary cancer-predisposing syndrome. Last evaluated: 2021-06-19. Review status: criteria provided, single submitter. Criteria: Sema4 Curation Guidelines. Collection method: curation. Allele origin: germline.
Comment: The BRCA2 c.3329A>C (p.E1110A) variant has not been reported in the literature to our knowledge. It was observed in 1/15554 chromosomes of the African subpopulation in the large and broad cohorts of the Genome Aggregation Database (PMID: 32461654) and has been reported in ClinVar (Variation ID 219682). In silico tools suggest the impact of the variant on protein function is inconclusive, though these predictions have not been confirmed by functional studies. The evidence is insufficient to meet ACMG/AMP criteria for classifying the variant as benign or pathogenic. Thus, the clinical significance of this variant is currently uncertain.

Women's Health and Genetics/Laboratory Corporation of America, LabCorp
Classification: Uncertain significance. Last evaluated: 2016-04-22. Review status: criteria provided, single submitter. Criteria: LabCorp Variant Classification Summary - May 2015. Collection method: clinical testing. Allele origin: germline.
Comment: Variant summary: The variant of interest affects a conserved nucleotide and results in a replacement of a medium size and acidic Glutamic acid (E) with a small size and hydrophobic Alanine (A). 5/5 in silico tools predict disease causing outcome for this substitution. The variant was observed in the large and broad cohorts of the ExAC project at an allele frequency of 1/118496 which does not exceed the maximal expected allele frequency of a disease causing BRCA2 allele (1/13000). To our knowledge, the variant function was not reported in patients and studies assessing the impact the variant may have on BRCA2 function were not published at the time of scoring either. Due to lack of clinical data and functional studies the variant was classified as a variant of uncertain significance until more information becomes available.

Literature cited by the submitters: PubMed 25085752 (cited by Myriad Genetics, Inc.); PubMed 31911673 (cited by Quest Diagnostics Nichols Institute San Juan Capistrano); PubMed 31853058 (cited by Quest Diagnostics Nichols Institute San Juan Capistrano).

NM_000059.4(BRCA2):c.3329A>C (p.Glu1110Ala)

Gene: BRCA2 (BRCA2 DNA repair associated; plus strand). Cytogenetic location: 13q13.1.
Variant type: single nucleotide variant.
Coding change: c.3329A>C on transcript NM_000059.4 (MANE Select); coding-DNA position 3329, A replaced by C.
Protein change: p.Glu1110Ala; replaces glutamic acid 1110 with alanine.
Molecular consequence: missense variant.
Genome position (GRCh38, 1-based): chr13:32,337,684, A>C. VCF-style: chr13-32337684-A-C. GRCh37 (hg19) VCF-style: chr13-32911821-A-C.
Other names: short protein forms E1110A.
Identifiers: ClinVar variation 219682 (VCV000219682.25), dbSNP rs587782072, ClinGen allele CA348369.
Genomic context (GRCh38, chr13:32,337,684, plus strand): 5'-TGTTATTTTCCAAGCAGGATTTTAATTCAAACCATAATTTAACACCTAGCCAAAAGGCAG[A>C]AATTACAGAACTTTCTACTATATTAGAAGAATCAGGAAGTCAGTTTGAATTTACTCAGTT-3'
Protein context (NP_000050.3, residues 1100-1120): NHNLTPSQKA[Glu1110Ala]ITELSTILEE